The following is an entry in ClinVar:

ClinVar aggregate classification (germline): Uncertain significance. Review status: criteria provided, multiple submitters, no conflicts (2 of 4 stars). 5 submissions from 5 submitters: Uncertain significance (5). Last evaluated 2026-03-20.

Conditions:
Bardet-Biedl syndrome (BBS). Identifiers: Orphanet 110, MedGen C0752166, MONDO:0015229.
Inborn genetic diseases. Identifiers: MedGen C0950123, MeSH D030342.
WDPCP-related disorder. Also called: WDPCP-related condition.
Bardet-Biedl syndrome 15 (BBS15). Identifiers: Orphanet 110, MedGen C3150127, MONDO:0014443, OMIM 615992.
Heart defect - tongue hamartoma - polysyndactyly syndrome. Also called: Congenital heart defects, hamartomas of tongue, and polysyndactyly. Identifiers: Orphanet 1338, MedGen C1857587, MONDO:0009008, OMIM 217085.

Allele frequency attached by ClinVar (database versions not stated): ExAC 0.00002; gnomAD exomes 0.00002 and 0.00003; TOPMed 0.00003; gnomAD 0.00005.
gnomAD v4.1: 52 of 1,614,020 alleles (0.0032%); highest among the groups gnomAD compares: Middle Eastern, 0.066%; no homozygotes.

Submissions (5):

PreventionGenetics, part of Exact Sciences
Classification: Uncertain significance for WDPCP-related condition. Last evaluated: 2026-03-20. Review status: criteria provided, single submitter. Criteria: ACMG Guidelines, 2015. Collection method: clinical testing. Allele origin: germline.
Comment: The WDPCP c.1103G>A variant is predicted to result in the amino acid substitution p.Arg368His. To our knowledge, this variant has not been reported in the literature. This variant is reported in 0.0098% of alleles in individuals of South Asian descent in gnomAD. At this time, the clinical significance of this variant is uncertain due to the absence of conclusive functional and genetic evidence.

Labcorp Genetics (formerly Invitae), Labcorp
Classification: Uncertain significance for Bardet-Biedl syndrome. Last evaluated: 2025-02-03. Review status: criteria provided, single submitter. Criteria: Invitae Variant Classification Sherloc (09022015). Collection method: clinical testing. Allele origin: germline.
Comment: This sequence change replaces arginine, which is basic and polar, with histidine, which is basic and polar, at codon 368 of the WDPCP protein (p.Arg368His). This variant is present in population databases (rs749677469, gnomAD 0.01%). This variant has not been reported in the literature in individuals affected with WDPCP-related conditions. ClinVar contains an entry for this variant (Variation ID: 1045893). Invitae Evidence Modeling of protein sequence and biophysical properties (such as structural, functional, and spatial information, amino acid conservation, physicochemical variation, residue mobility, and thermodynamic stability) indicates that this missense variant is not expected to disrupt WDPCP protein function with a negative predictive value of 80%. In summary, the available evidence is currently insufficient to determine the role of this variant in disease. Therefore, it has been classified as a Variant of Uncertain Significance.

Blueprint Genetics
Classification: Uncertain significance. Last evaluated: 2024-07-24. Review status: criteria provided, single submitter. Criteria: ACMG Guidelines, 2015. Collection method: clinical testing. Allele origin: germline.

Ambry Genetics
Classification: Uncertain significance for Inborn genetic diseases. Last evaluated: 2024-05-16. Review status: criteria provided, single submitter. Criteria: Ambry Variant Classification Scheme 2023. Collection method: clinical testing. Allele origin: germline.

Fulgent Genetics
Classification: Uncertain significance for Heart defect - tongue hamartoma - polysyndactyly syndrome; Bardet-Biedl syndrome 15. Last evaluated: 2024-03-27. Review status: criteria provided, single submitter. Criteria: ACMG Guidelines, 2015. Collection method: clinical testing. Allele origin: germline.

NM_015910.7(WDPCP):c.1103G>A (p.Arg368His)

Gene: WDPCP (WD repeat containing planar cell polarity effector; minus strand). Cytogenetic location: 2p15.
Variant type: single nucleotide variant.
Coding change: c.1103G>A on transcript NM_015910.7 (MANE Select); coding-DNA position 1103, G replaced by A.
Protein change: p.Arg368His; replaces arginine 368 with histidine.
Molecular consequence: missense variant. On other transcripts: non-coding transcript variant (3).
Genome position (GRCh38, 1-based): chr2:63,404,380, C>T on the plus strand (G>A on the coding strand, the complement: WDPCP is on the minus strand). VCF-style: chr2-63404380-C-T. GRCh37 (hg19) VCF-style: chr2-63631515-C-T.
Other names: c.626G>A, p.Arg209His (NM_001042692.3); c.1031G>A, p.Arg344His (NM_001354044.2); c.1103G>A, p.Arg368His (NM_001354045.2); c.1103G>A (NM_015910.5); short protein forms R209H, R368H, R344H.
Identifiers: ClinVar variation 1045893 (VCV001045893.12), dbSNP rs749677469, ClinGen allele CA1682284.